The following is an entry in ClinVar:

NM_002691.4(POLD1):c.1363G>A (p.Val455Met)

Gene: POLD1 (DNA polymerase delta 1, catalytic subunit; plus strand). Cytogenetic location: 19q13.33.
Variant type: single nucleotide variant.
Coding change: c.1363G>A on transcript NM_002691.4 (MANE Select); coding-DNA position 1363, G replaced by A.
Protein change: p.Val455Met; replaces valine 455 with methionine.
Molecular consequence: missense variant. On other transcripts: non-coding transcript variant (1).
Genome position (GRCh38, 1-based): chr19:50,406,302, G>A. VCF-style: chr19-50406302-G-A. GRCh37 (hg19) VCF-style: chr19-50909559-G-A.
Other names: c.1363G>A, p.Val455Met (NM_001256849.1, NM_001308632.1); short protein forms V455M.
Identifiers: ClinVar variation 407953 (VCV000407953.21), dbSNP rs762670703, ClinGen allele CA9596112.

ClinVar aggregate classification (germline): Uncertain significance. Review status: criteria provided, multiple submitters, no conflicts (2 of 4 stars). 6 submissions from 6 submitters: Uncertain significance (6). Last evaluated 2025-12-28.

Conditions:
POLD1-related polyposis and colorectal cancer syndrome (CRCS10). Also called: Colorectal cancer, susceptibility to, 10; Colorectal cancer 10; COLORECTAL CANCER, SUSCEPTIBILITY TO, ON CHROMOSOME 19q. Identifiers: Orphanet 220460, MedGen C2675481, MONDO:0012953, OMIM 612591.
Mandibular hypoplasia-deafness-progeroid syndrome. Also called: Mandibular hypoplasia, deafness, progeroid features, and lipodystrophy syndrome. Identifiers: Orphanet 363649, MedGen C3715192, MONDO:0014157, OMIM 615381.
Hereditary cancer-predisposing syndrome. Also called: Neoplastic Syndromes, Hereditary; Hereditary neoplastic syndrome; Hereditary Cancer Syndrome; Tumor predisposition. Identifiers: Orphanet 140162, MedGen C0027672, MeSH D009386, MONDO:0015356.

Allele frequency attached by ClinVar (database versions not stated): gnomAD exomes below 0.00001; ExAC 0.00001; TOPMed 0.00002; gnomAD 0.00003 and 0.00004.
gnomAD v4.1: 21 of 1,613,852 alleles (0.0013%); highest among the groups gnomAD compares: South Asian, 0.0033%; no homozygotes.

Submissions (6):

Labcorp Genetics (formerly Invitae), Labcorp
Classification: Uncertain significance for POLD1-related polyposis and colorectal cancer syndrome. Last evaluated: 2025-12-28. Review status: criteria provided, single submitter. Criteria: Invitae Variant Classification Sherloc (09022015). Collection method: clinical testing. Allele origin: germline.
Comment: This sequence change replaces valine, which is neutral and non-polar, with methionine, which is neutral and non-polar, at codon 455 of the POLD1 protein (p.Val455Met). This variant is present in population databases (rs762670703, gnomAD 0.003%). This variant has not been reported in the literature in individuals affected with POLD1-related conditions. ClinVar contains an entry for this variant (Variation ID: 407953). Invitae Evidence Modeling of protein sequence and biophysical properties (such as structural, functional, and spatial information, amino acid conservation, physicochemical variation, residue mobility, and thermodynamic stability) indicates that this missense variant is not expected to disrupt POLD1 protein function with a negative predictive value of 80%. In summary, the available evidence is currently insufficient to determine the role of this variant in disease. Therefore, it has been classified as a Variant of Uncertain Significance.

Ambry Genetics
Classification: Uncertain significance for Hereditary cancer-predisposing syndrome. Last evaluated: 2025-05-13. Review status: criteria provided, single submitter. Criteria: Ambry Variant Classification Scheme 2023. Collection method: clinical testing. Allele origin: germline.
Comment: The p.V455M variant (also known as c.1363G>A), located in coding exon 10 of the POLD1 gene, results from a G to A substitution at nucleotide position 1363. The valine at codon 455 is replaced by methionine, an amino acid with highly similar properties. This amino acid position is well conserved in available vertebrate species. In addition, this alteration is predicted to be tolerated by in silico analysis. Based on the available evidence, the clinical significance of this variant remains unclear.

Molecular Pathology, Peter Maccallum Cancer Centre
Classification: Uncertain significance for POLD1-related polyposis and colorectal cancer syndrome. Last evaluated: 2024-04-10. Review status: criteria provided, single submitter. Criteria: ACMG Guidelines, 2015. Collection method: clinical testing. Allele origin: germline. Inheritance: Autosomal dominant inheritance.

Baylor Genetics
Classification: Uncertain significance for POLD1-related polyposis and colorectal cancer syndrome. Last evaluated: 2024-02-16. Review status: criteria provided, single submitter. Criteria: ACMG Guidelines, 2015. Collection method: clinical testing. Allele origin: unknown.

GeneDx
Classification: Uncertain significance. Last evaluated: 2022-09-16. Review status: criteria provided, single submitter. Criteria: GeneDx Variant Classification Process June 2021. Collection method: clinical testing. Allele origin: germline. Affected: yes.
Comment: Not observed at a significant frequency in large population cohorts (gnomAD); In silico analysis, which includes protein predictors and evolutionary conservation, supports a deleterious effect; Has not been previously published as pathogenic or benign to our knowledge; This variant is associated with the following publications: (PMID: 20951805)

Fulgent Genetics
Classification: Uncertain significance for POLD1-related polyposis and colorectal cancer syndrome; Mandibular hypoplasia-deafness-progeroid syndrome. Last evaluated: 2018-10-31. Review status: criteria provided, single submitter. Criteria: ACMG Guidelines, 2015. Collection method: clinical testing. Allele origin: unknown.